The following is an entry in ClinVar:

ClinVar aggregate classification (germline): Benign/Likely benign. Review status: criteria provided, multiple submitters, no conflicts (2 of 4 stars). 3 submissions from 3 submitters: Benign (2); Likely benign (1). Last evaluated 2022-10-01.

Allele frequency attached by ClinVar (database versions not stated): 1000 Genomes Project 0.00200; gnomAD exomes 0.00208; ExAC 0.00213; gnomAD 0.00229 and 0.00242; 1000 Genomes Project 30x 0.00250; TOPMed 0.00258; ESP Exome Variant Server 0.00269.
gnomAD v4.1: 3,753 of 1,614,148 alleles (0.23%); highest among the groups gnomAD compares: Middle Eastern, 0.31%; 6 homozygotes.

Submissions (3):

CeGaT Center for Human Genetics Tuebingen
Classification: Likely benign. Last evaluated: 2022-10-01. Review status: criteria provided, single submitter. Criteria: CeGaT Center For Human Genetics Tuebingen Variant Classification Criteria Version 2. Collection method: clinical testing. Allele origin: germline. Affected: yes. Observed: 2 variant alleles.
Comment: CCR1: BP4, BP7

Labcorp Genetics (formerly Invitae), Labcorp
Classification: Benign. Last evaluated: 2018-05-24. Review status: criteria provided, single submitter. Criteria: Invitae Variant Classification Sherloc (09022015). Collection method: clinical testing. Allele origin: germline.

Breakthrough Genomics
Classification: Benign. Review status: criteria provided, single submitter. Criteria: ACMG Guidelines, 2015. Collection method: not provided. Allele origin: germline. Inheritance: Unknown mechanism. Affected: yes.

NM_001295.3(CCR1):c.162G>C (p.Leu54=)

Gene: CCR1 (C-C motif chemokine receptor 1; minus strand). Cytogenetic location: 3p21.31.
Variant type: single nucleotide variant.
Coding change: c.162G>C on transcript NM_001295.3 (MANE Select); coding-DNA position 162, G replaced by C.
Protein change: p.Leu54=; no amino-acid change (leucine 54 retained).
Molecular consequence: synonymous variant.
Genome position (GRCh38, 1-based): chr3:46,204,152, C>G on the plus strand (G>C on the coding strand, the complement: CCR1 is on the minus strand). VCF-style: chr3-46204152-C-G. GRCh37 (hg19) VCF-style: chr3-46245643-C-G.
Identifiers: ClinVar variation 708712 (VCV000708712.28), dbSNP rs61755291, ClinGen allele CA2353966.